The following is an entry in ClinVar:

NM_001080510.5(METTL23):c.514C>T (p.Leu172Phe)

Gene: METTL23 (methyltransferase 23, arginine; plus strand). Cytogenetic location: 17q25.1.
Variant type: single nucleotide variant.
Coding change: c.514C>T on transcript NM_001080510.5 (MANE Select); coding-DNA position 514, C replaced by T.
Protein change: p.Leu172Phe; replaces leucine 172 with phenylalanine.
Molecular consequence: missense variant. On other transcripts: non-coding transcript variant (1).
Genome position (GRCh38, 1-based): chr17:76,733,627, C>T. VCF-style: chr17-76733627-C-T. GRCh37 (hg19) VCF-style: chr17-74729709-C-T.
Other names: c.514C>T, p.Leu172Phe (NM_001206983.3, NM_001206984.3, NM_001302703.2 and 2 more transcripts); c.313C>T, p.Leu105Phe (NM_001206985.3, NM_001206986.3, NM_001206987.3 and 2 more transcripts); c.502C>T, p.Leu168Phe (NM_001302705.2, NM_001378350.1, NM_001378351.1 and 2 more transcripts); short protein forms L105F, L172F, L168F.
Identifiers: ClinVar variation 1305641 (VCV001305641.2), dbSNP rs267605063, ClinGen allele CA294231888.

ClinVar aggregate classification (germline): Uncertain significance (1 of 4 stars; one submission).

gnomAD v4.1: 1 of 1,613,852 alleles (0.000062%); highest among the groups gnomAD compares: Non-Finnish European, 0.000085%; no homozygotes.

Submission:

GeneDx
Classification: Uncertain significance. Last evaluated: 2019-05-17. Review status: criteria provided, single submitter. Criteria: GeneDx Variant Classification Process June 2021. Collection method: clinical testing. Allele origin: germline. Affected: yes.
Comment: Has not been previously published as pathogenic or benign to our knowledge; Not observed in large population cohorts (Lek et al., 2016); In silico analysis, which includesprotein predictorsand evolutionary conservation, supports a deleterious effect